The following is an entry in ClinVar:

NM_016507.4(CDK12):c.353G>A (p.Arg118His)

Genes: CDK12 (cyclin dependent kinase 12; plus strand), LOC126862553 (CDK7 strongly-dependent group 2 enhancer GRCh37_chr17:37618166-37619365; plus strand). Cytogenetic location: 17q12.
Variant type: single nucleotide variant.
Coding change: c.353G>A on transcript NM_016507.4 (MANE Select); coding-DNA position 353, G replaced by A.
Protein change: p.Arg118His; replaces arginine 118 with histidine.
Molecular consequence: missense variant.
Genome position (GRCh38, 1-based): chr17:39,462,424, G>A. VCF-style: chr17-39462424-G-A. GRCh37 (hg19) VCF-style: chr17-37618677-G-A.
Other names: c.353G>A, p.Arg118His (NM_015083.4); short protein forms R118H.
Identifiers: ClinVar variation 4224400 (VCV004224400.1).

ClinVar aggregate classification (germline): Uncertain significance (1 of 4 stars; one submission).

gnomAD v4.1: 3 of 1,613,952 alleles (0.00019%); highest among the groups gnomAD compares: African/African-American, 0.0013%; no homozygotes.

Submission:

Ambry Genetics
Classification: Uncertain significance. Last evaluated: 2025-08-20. Review status: criteria provided, single submitter. Criteria: Ambry Variant Classification Scheme 2023. Collection method: clinical testing. Allele origin: germline.
Comment: The p.R118H variant (also known as c.353G>A), located in coding exon 1 of the CDK12 gene, results from a G to A substitution at nucleotide position 353. The arginine at codon 118 is replaced by histidine, an amino acid with highly similar properties. This amino acid position is conserved. In addition, this alteration is predicted to be tolerated by in silico analysis. Based on the available evidence, the clinical significance of this variant remains unclear.